The following is an entry in ClinVar:

NM_004525.3(LRP2):c.1240T>C (p.Phe414Leu)

Gene: LRP2 (LDL receptor related protein 2; minus strand). Cytogenetic location: 2q31.1.
Variant type: single nucleotide variant.
Coding change: c.1240T>C on transcript NM_004525.3 (MANE Select); coding-DNA position 1240, T replaced by C.
Protein change: p.Phe414Leu; replaces phenylalanine 414 with leucine.
Molecular consequence: missense variant.
Genome position (GRCh38, 1-based): chr2:169,280,451, A>G on the plus strand (T>C on the coding strand, the complement: LRP2 is on the minus strand). VCF-style: chr2-169280451-A-G. GRCh37 (hg19) VCF-style: chr2-170136961-A-G.
Other names: c.1240T>C (NM_004525.2); short protein forms F414L.
Identifiers: ClinVar variation 1490689 (VCV001490689.5), dbSNP rs750836745, ClinGen allele CA1955615.
Genomic context (GRCh38, chr2:169,280,451, plus strand): 5'-GATAGTGGAAAGCCACACCCACGGCCACTCCACGATTCTGAGACTCCACTAGGATCCGGA[A>G]GCTCCTTCCATGAATATCACCAATTAACAAATCCCGACCATTGGAGAAGATAATGGAGGC-3'
Protein context (NP_004516.2, residues 404-424): LLIGDIHGRS[Phe414Leu]RILVESQNRG

ClinVar aggregate classification (germline): Uncertain significance. Review status: criteria provided, multiple submitters, no conflicts (2 of 4 stars). 3 submissions from 3 submitters: Uncertain significance (3). Last evaluated 2023-09-25.

Conditions:
Donnai-Barrow syndrome. Also called: DBS/FOAR SYNDROME; FACIOOCULOACOUSTICORENAL SYNDROME. Identifiers: Orphanet 2143, MedGen C1857277, MONDO:0009104, OMIM 222448.
Inborn genetic diseases. Identifiers: MedGen C0950123, MeSH D030342.

Allele frequency attached by ClinVar (database versions not stated): gnomAD exomes below 0.00001 and 0.00001; ExAC 0.00001.
gnomAD v4.1: 7 of 1,614,208 alleles (0.00043%); highest among the groups gnomAD compares: South Asian, 0.0077%; no homozygotes.

Submissions (3):

Ambry Genetics
Classification: Uncertain significance for Inborn genetic diseases. Last evaluated: 2023-09-25. Review status: criteria provided, single submitter. Criteria: Ambry Variant Classification Scheme 2023. Collection method: clinical testing. Allele origin: germline.

Labcorp Genetics (formerly Invitae), Labcorp
Classification: Uncertain significance. Last evaluated: 2022-07-12. Review status: criteria provided, single submitter. Criteria: Invitae Variant Classification Sherloc (09022015). Collection method: clinical testing. Allele origin: germline.
Comment: This sequence change replaces phenylalanine, which is neutral and non-polar, with leucine, which is neutral and non-polar, at codon 414 of the LRP2 protein (p.Phe414Leu). This variant is present in population databases (rs750836745, gnomAD 0.006%). This variant has not been reported in the literature in individuals affected with LRP2-related conditions. ClinVar contains an entry for this variant (Variation ID: 1490689). Advanced modeling of protein sequence and biophysical properties (such as structural, functional, and spatial information, amino acid conservation, physicochemical variation, residue mobility, and thermodynamic stability) performed at Invitae indicates that this missense variant is not expected to disrupt LRP2 protein function. In summary, the available evidence is currently insufficient to determine the role of this variant in disease. Therefore, it has been classified as a Variant of Uncertain Significance.

Fulgent Genetics
Classification: Uncertain significance for Donnai-Barrow syndrome. Last evaluated: 2021-08-25. Review status: criteria provided, single submitter. Criteria: ACMG Guidelines, 2015. Collection method: clinical testing. Allele origin: unknown.